The following is an entry in ClinVar:

NM_002693.3(POLG):c.2654C>G (p.Thr885Ser)

Gene: POLG (DNA polymerase gamma, catalytic subunit; minus strand). Cytogenetic location: 15q26.1.
Variant type: single nucleotide variant.
Coding change: c.2654C>G on transcript NM_002693.3 (MANE Select); coding-DNA position 2654, C replaced by G.
Protein change: p.Thr885Ser; replaces threonine 885 with serine.
Molecular consequence: missense variant.
Genome position (GRCh38, 1-based): chr15:89,321,205, G>C on the plus strand (C>G on the coding strand, the complement: POLG is on the minus strand). VCF-style: chr15-89321205-G-C. GRCh37 (hg19) VCF-style: chr15-89864436-G-C.
Other names: c.2654C>G, p.Thr885Ser (NM_001126131.2); short protein forms T885S.
Identifiers: ClinVar variation 644248 (VCV000644248.1), dbSNP rs1224799376, ClinGen allele CA393753766.

ClinVar aggregate classification (germline): Uncertain significance (1 of 4 stars; one submission).

Conditions:
Progressive sclerosing poliodystrophy (MTDPS4A). Also called: Alpers-Huttenlocher Syndrome (AHS); Alpers Syndrome; ALPERS PROGRESSIVE INFANTILE POLIODYSTROPHY; Mitochondrial DNA depletion syndrome 4A (Alpers type); ALPERS DIFFUSE DEGENERATION OF CEREBRAL GRAY MATTER WITH HEPATIC CIRRHOSIS; Alpers-Huttenlocher Syndrome. Identifiers: Orphanet 726, MedGen C0205710, MONDO:0008758, OMIM 203700.

Submission:

Labcorp Genetics (formerly Invitae), Labcorp
Classification: Uncertain significance for Progressive sclerosing poliodystrophy. Last evaluated: 2018-11-05. Review status: criteria provided, single submitter. Criteria: Invitae Variant Classification Sherloc (09022015). Collection method: clinical testing. Allele origin: germline.
Comment: This sequence change replaces threonine with serine at codon 885 of the POLG protein (p.Thr885Ser). The threonine residue is weakly conserved and there is a small physicochemical difference between threonine and serine. This variant is not present in population databases (ExAC no frequency). This variant has been observed on the same chromosome (in cis) with a pathogenic variant (p.Ala467Thr) in POLG in an individual affected with clinical features of Alpers syndrome (PMID:Â¬â€ 16621917). Experimental studies have shown that this change results in slight to moderate reduction in DNA-binding affinity, but does not affect the overall stability or enzymatic activity of the POLG protein (PMID:Â¬â€ 19478085). Algorithms developed to predict the effect of sequence changes on RNA splicing suggest that this variant may create or strengthen a splice site, but this prediction has not been confirmed by published transcriptional studies. In summary, the available evidence is currently insufficient to determine the role of this variant in disease. Therefore, it has been classified as a Variant of Uncertain Significance.